The following is an entry in ClinVar:

ClinVar aggregate classification (germline): Uncertain significance. Review status: criteria provided, multiple submitters, no conflicts (2 of 4 stars). 2 submissions from 2 submitters: Uncertain significance (2). Last evaluated 2023-05-18.

Conditions:
Hereditary cancer-predisposing syndrome. Also called: Neoplastic Syndromes, Hereditary; Hereditary Cancer Syndrome; Hereditary neoplastic syndrome; Tumor predisposition. Identifiers: Orphanet 140162, MedGen C0027672, MeSH D009386, MONDO:0015356.

Submissions (2):

Ambry Genetics
Classification: Uncertain significance for Hereditary cancer-predisposing syndrome. Last evaluated: 2023-05-18. Review status: criteria provided, single submitter. Criteria: Ambry Variant Classification Scheme 2023. Collection method: clinical testing. Allele origin: germline.
Comment: The p.S1374C variant (also known as c.4120A>T), located in coding exon 10 of the BRCA1 gene, results from an A to T substitution at nucleotide position 4120. The serine at codon 1374 is replaced by cysteine, an amino acid with dissimilar properties. This amino acid position is conserved. In addition, this alteration is predicted to be deleterious by in silico analysis. Since supporting evidence is limited at this time, the clinical significance of this alteration remains unclear.

Color Diagnostics, LLC DBA Color Health
Classification: Uncertain significance for Hereditary cancer-predisposing syndrome. Last evaluated: 2022-04-25. Review status: criteria provided, single submitter. Criteria: ACMG Guidelines, 2015. Collection method: clinical testing. Allele origin: germline.
Comment: This missense variant replaces serine with cysteine at codon 1374 of the BRCA1 protein. Computational prediction is inconclusive regarding the impact of this variant on protein structure and function (internally defined REVEL score threshold 0.5 < inconclusive < 0.7, PMID: 27666373). To our knowledge, functional studies have not been reported for this variant. In a large breast cancer case-control study, this variant has been observed in 0/60466 cases and 1/53461 controls (PMID: 33471991; Leiden Open Variation Database DB-ID BRCA1_006279). This variant has not been identified in the general population by the Genome Aggregation Database (gnomAD). The available evidence is insufficient to determine the role of this variant in disease conclusively. Therefore, this variant is classified as a Variant of Uncertain Significance.

Literature cited by the submitters: PubMed 33471991 (cited by Color Diagnostics, LLC DBA Color Health).

NM_007294.4(BRCA1):c.4120A>T (p.Ser1374Cys)

Gene: BRCA1 (BRCA1 DNA repair associated; minus strand). Cytogenetic location: 17q21.31.
Variant type: single nucleotide variant.
Coding change: c.4120A>T on transcript NM_007294.4 (MANE Select); coding-DNA position 4120, A replaced by T.
Protein change: p.Ser1374Cys; replaces serine 1374 with cysteine.
Molecular consequence: missense variant.
Genome position (GRCh38, 1-based): chr17:43,091,009, T>A on the plus strand (A>T on the coding strand, the complement: BRCA1 is on the minus strand). VCF-style: chr17-43091009-T-A. GRCh37 (hg19) VCF-style: chr17-41243026-T-A.
Other names: c.547A>T, p.Ser183Cys (NM_001408499.1, NM_001408501.1, NM_001408500.1 and 3 more transcripts); c.478A>T, p.Ser160Cys (NM_001408502.1); c.544A>T, p.Ser182Cys (NM_001408503.1, NM_001408504.1, NM_001408505.1); c.3997A>T, p.Ser1333Cys (NM_001407675.1, NM_001407679.1, NM_001407677.1 and 19 more transcripts); c.4120A>T, p.Ser1374Cys (NM_001407625.1, NM_001407626.1, NM_001407639.1 and 30 more transcripts); c.4117A>T, p.Ser1373Cys (NM_001407627.1, NM_001407628.1, NM_001407629.1 and 22 more transcripts); c.4111A>T, p.Ser1371Cys (NM_001407646.1, NM_001407647.1); c.3994A>T, p.Ser1332Cys (NM_001407649.1, NM_001407670.1, NM_001407671.1 and 11 more transcripts); and 41 more; short protein forms S1307C, S1326C, S1371C, S1373C, S183C, S190C, S201C, S223C.
Identifiers: ClinVar variation 2565358 (VCV002565358.4), dbSNP rs2154256713, ClinGen allele CA10593485.
Genomic context (GRCh38, chr17:43,091,009, plus strand): 5'-TGGTTAAAATGTCACTCTGAGAGGATAGCCCTGAGCAGTCTTCAGAGACGCTTGTTTCAC[T>A]CTCACACCCAGATGCTGCTTCACCTTAAATAACAAAAACAGAGGTTCAGATGTAAAAGCA-3'
Protein context (NP_009225.1, residues 1364-1384): NLGEAASGCE[Ser1374Cys]ETSVSEDCSG